The following is an entry in ClinVar:

ClinVar aggregate classification (germline): Uncertain significance (1 of 4 stars; one submission).

Submission:

GeneDx
Classification: Uncertain significance. Last evaluated: 2024-12-19. Review status: criteria provided, single submitter. Criteria: GeneDx Variant Classification Process June 2021. Collection method: clinical testing. Allele origin: germline. Affected: yes.
Comment: Not observed at significant frequency in large population cohorts (gnomAD); In silico analysis supports that this missense variant has a deleterious effect on protein structure/function; Has not been previously published as pathogenic or benign to our knowledge

NM_020987.5(ANK3):c.6422C>T (p.Pro2141Leu)

Gene: ANK3 (ankyrin 3; minus strand). Cytogenetic location: 10q21.2.
Variant type: single nucleotide variant.
Coding change: c.6422C>T on transcript NM_020987.5 (MANE Select); coding-DNA position 6422, C replaced by T.
Protein change: p.Pro2141Leu; replaces proline 2141 with leucine.
Molecular consequence: missense variant. On other transcripts: intron variant (4).
Genome position (GRCh38, 1-based): chr10:60,074,459, G>A on the plus strand (C>T on the coding strand, the complement: ANK3 is on the minus strand). VCF-style: chr10-60074459-G-A. GRCh37 (hg19) VCF-style: chr10-61834217-G-A.
Other names: c.4387+6078C>T (NM_001204403.2); c.4408+6078C>T (NM_001204404.2); c.4405+6078C>T (NM_001320874.2); c.1807+6078C>T (NM_001149.4); short protein forms P2141L.
Identifiers: ClinVar variation 3906784 (VCV003906784.1).